The following is an entry in ClinVar:

ClinVar aggregate classification (germline): Likely benign. Review status: reviewed by expert panel (3 of 4 stars). 3 submissions from 3 submitters: Likely benign (1). 2 of the submissions do not count toward it. Last evaluated 2026-11-20.

Conditions:
Primary ciliary dyskinesia. Also called: Ciliary dyskinesia. Identifiers: Orphanet 244, MedGen C0008780, MONDO:0016575, HP:0012265.
RPGR-related retinopathy. Also called: RPGR retinopathy. Identifiers: MedGen CN305589, MONDO:0100437.
RPGR-related disorder. Also called: RPGR-related condition.

Allele frequency attached by ClinVar (database versions not stated): gnomAD exomes below 0.00001.
gnomAD v4.1: 2 of 1,210,945 alleles (0.00017%); highest among the groups gnomAD compares: Non-Finnish European, 0.00022%; no homozygotes.

Submissions (3):

ClinGen X-linked Inherited Retinal Disease Variant Curation Expert Panel, ClinGen
Classification: Likely benign for RPGR-related retinopathy. Last evaluated: 2026-11-20. Review status: reviewed by expert panel. Criteria: ClinGen X LinkedIRD ACMG Specifications RPGR V1.0.0. Collection method: curation. Allele origin: germline. Inheritance: X-linked inheritance.
Comment: NM_001034853.2(RPGR):c.774C>T is a silent variant at codon 258 that does not have an impact on splicing sites, according to Splice AI, which predicts a delta score of 0.01 for all splicing types, which is below the ClinGen X-linked IRD VCEP recommended threshold of <0.1 and does not strongly predict an impact on splicing (BP7, BP4). This variant is absent from hemizygous individuals in gnomAD v4.1.1 (PM2_Supporting). In summary, this variant is classified as likely benign for RPGR-related retinopathy based on the ACMG/AMP criteria applied, as specified by the ClinGen X-linked IRD VCEP: BP4, BP7, and PM2_Supporting.

PreventionGenetics, part of Exact Sciences
Classification: Likely benign for RPGR-related condition. Last evaluated: 2025-10-10. Review status: criteria provided, single submitter. Criteria: ACMG Guidelines, 2015. Collection method: clinical testing. Allele origin: germline. Not counted in ClinVar's aggregate classification.
Comment: This variant is classified as likely benign based on ACMG/AMP sequence variant interpretation guidelines (Richards et al. 2015 PMID: 25741868, with internal and published modifications).

Labcorp Genetics (formerly Invitae), Labcorp
Classification: Likely benign for Primary ciliary dyskinesia. Last evaluated: 2025-09-04. Review status: criteria provided, single submitter. Criteria: Invitae Variant Classification Sherloc (09022015). Collection method: clinical testing. Allele origin: germline. Not counted in ClinVar's aggregate classification.

NM_001034853.2(RPGR):c.774C>T (p.Leu258=)

Gene: RPGR (retinitis pigmentosa GTPase regulator; minus strand). Cytogenetic location: Xp11.4.
Variant type: single nucleotide variant.
Coding change: c.774C>T on transcript NM_001034853.2 (MANE Select); coding-DNA position 774, C replaced by T.
Protein change: p.Leu258=; no amino-acid change (leucine 258 retained).
Molecular consequence: synonymous variant. On other transcripts: non-coding transcript variant (6).
Genome position (GRCh38, 1-based): chrX:38,310,619, G>A on the plus strand (C>T on the coding strand, the complement: RPGR is on the minus strand). VCF-style: chrX-38310619-G-A. GRCh37 (hg19) VCF-style: chrX-38169872-G-A.
Other names: NM_001034853.2(RPGR):c.774C>T; p.Leu258=; c.774C>T (NM_001034853.1); c.774C>T, p.Leu258= (NM_000328.3, NM_001367246.1, NM_001367247.1 and 1 more transcripts); c.771C>T, p.Leu257= (NM_001367245.1, NM_001367249.1, NM_001367250.1); c.804C>T, p.Leu268= (NM_001367248.1).
Identifiers: ClinVar variation 2050902 (VCV002050902.6), dbSNP rs2519865438, ClinGen allele CA515651355.
Genomic context (GRCh38, chrX:38,310,619, plus strand): 5'-AAATTTCATTAGCCACCACAGAACGCAGGGAACAGAACAGTGGACTCCACACATACCCGT[G>A]AGAACCACAGTATGCTCTCCACCACAGGCTACTTGGATCACCTTCTCCGGAATTTCAGAC-3'
Protein context (NP_001030025.1, residues 248-268): VACGGEHTVV[Leu258=]TENAVYTFGL